The following is an entry in ClinVar:

NM_024426.6(WT1):c.1167G>C (p.Glu389Asp)

Gene: WT1 (WT1 transcription factor; minus strand). Cytogenetic location: 11p13.
Variant type: single nucleotide variant.
Coding change: c.1167G>C on transcript NM_024426.6 (MANE Select); coding-DNA position 1167, G replaced by C.
Protein change: p.Glu389Asp; replaces glutamic acid 389 with aspartic acid.
Molecular consequence: missense variant. On other transcripts: 5 prime UTR variant (1), non-coding transcript variant (2).
Genome position (GRCh38, 1-based): chr11:32,396,354, C>G on the plus strand (G>C on the coding strand, the complement: WT1 is on the minus strand). VCF-style: chr11-32396354-C-G. GRCh37 (hg19) VCF-style: chr11-32417900-C-G.
Other names: c.1116G>C, p.Glu372Asp (NM_000378.6, NM_001407045.1, NM_001407048.1 and 1 more transcripts); c.516G>C, p.Glu172Asp (NM_001198551.2); c.465G>C, p.Glu155Asp (NM_001198552.2); c.-22G>C (NM_001367854.1); c.1161G>C, p.Glu387Asp (NM_001407044.1); c.1167G>C, p.Glu389Asp (NM_001407046.1, NM_024424.5); c.1044G>C, p.Glu348Asp (NM_001407047.1); c.993G>C, p.Glu331Asp (NM_001407050.1); and 3 more; short protein forms E172D, E331D, E372D, E299D, E387D, E389D, E135D, E316D.
Identifiers: ClinVar variation 3982458 (VCV003982458.1).

ClinVar aggregate classification (germline): Uncertain significance (1 of 4 stars; one submission).

Conditions:
Inborn genetic diseases. Identifiers: MedGen C0950123, MeSH D030342.

Submission:

Ambry Genetics
Classification: Uncertain significance for Inborn genetic diseases. Last evaluated: 2025-05-13. Review status: criteria provided, single submitter. Criteria: Ambry Variant Classification Scheme 2023. Collection method: clinical testing. Allele origin: germline.
Comment: The p.E384D variant (also known as c.1152G>C), located in coding exon 7 of the WT1 gene, results from a G to C substitution at nucleotide position 1152. The glutamic acid at codon 384 is replaced by aspartic acid, an amino acid with highly similar properties. This amino acid position is well conserved in available vertebrate species. In addition, this alteration is predicted to be tolerated by in silico analysis. Based on the available evidence, the clinical significance of this variant remains unclear.